The following is an entry in ClinVar:

ClinVar aggregate classification (germline): Pathogenic/Likely pathogenic. Review status: criteria provided, multiple submitters, no conflicts (2 of 4 stars). 3 submissions from 3 submitters: Pathogenic (1); Likely pathogenic (2). Last evaluated 2025-01-21.

Conditions:
Leber congenital amaurosis 2 (LCA2). Also called: Autosomal Recessive RPE65-Related Retinal Degeneration; AMAUROSIS CONGENITA OF LEBER II. Identifiers: Orphanet 65, MedGen C1859844, MONDO:0008765, OMIM 204100. Disease mechanism: loss of function.
Leber congenital amaurosis (LCA). Also called: Leber's amaurosis. Identifiers: Orphanet 65, MedGen C0339527, MeSH D057130, MONDO:0018998.
Retinitis pigmentosa 20 (RP20). Identifiers: Orphanet 791, MedGen C3151086, MONDO:0013425, OMIM 613794.

Submissions (3):

Natera, Inc.
Classification: Likely pathogenic for Leber congenital amaurosis. Last evaluated: 2025-01-21. Review status: criteria provided, single submitter. Criteria: Natera Variant Classification Schema (03/2026). Collection method: clinical testing. Allele origin: germline.
Comment: The c.672_673del variant in RPE65 is a frameshift variant predicted to shift the reading frame beginning at codon 224 and leads to a stop codon 9 codons downstream. This variant is expected to result in nonsense mediated decay, truncation, or a dysfunctional protein product. This variant is rare in the general population with a frequency below the threshold expected for the associated phenotype(s). Given the available evidence, this variant is classified as Likely Pathogenic.

Baylor Genetics
Classification: Likely pathogenic for Leber congenital amaurosis 2. Last evaluated: 2022-12-28. Review status: criteria provided, single submitter. Criteria: ACMG Guidelines, 2015. Collection method: clinical testing. Allele origin: unknown.

Labcorp Genetics (formerly Invitae), Labcorp
Classification: Pathogenic for Leber congenital amaurosis 2; Retinitis pigmentosa 20. Last evaluated: 2022-02-18. Review status: criteria provided, single submitter. Criteria: Invitae Variant Classification Sherloc (09022015). Collection method: clinical testing. Allele origin: germline.
Comment: This sequence change creates a premature translational stop signal (p.Glu224Aspfs*9) in the RPE65 gene. It is expected to result in an absent or disrupted protein product. Loss-of-function variants in RPE65 are known to be pathogenic (PMID: 9326941, 9501220, 9843205, 18632300). This variant is not present in population databases (gnomAD no frequency). This variant has not been reported in the literature in individuals affected with RPE65-related conditions. Algorithms developed to predict the effect of sequence changes on RNA splicing suggest that this variant may disrupt the consensus splice site. For these reasons, this variant has been classified as Pathogenic.

Literature cited by the submitters: PubMed 9326941 (cited by Labcorp Genetics (formerly Invitae), Labcorp); PubMed 9501220 (cited by Labcorp Genetics (formerly Invitae), Labcorp); PubMed 9843205 (cited by Labcorp Genetics (formerly Invitae), Labcorp); PubMed 18632300 (cited by Labcorp Genetics (formerly Invitae), Labcorp).

NM_000329.3(RPE65):c.672_673del (p.Glu224fs)

Gene: RPE65 (retinoid isomerohydrolase RPE65; minus strand). Cytogenetic location: 1p31.3.
Variant type: Microsatellite.
Coding change: c.672_673del on transcript NM_000329.3 (MANE Select); coding-DNA positions 672 to 673, 2 bases deleted (GA; older notation c.672_673delGA).
Protein change: p.Glu224fs; shifts the reading frame from glutamic acid 224.
Molecular consequence: frameshift variant.
Genome position (GRCh38, 1-based): chr1:68,439,613-68,439,614, TC deleted on the plus strand (GA on the coding strand, the reverse complement: RPE65 is on the minus strand); deleting any 2 consecutive bases within chr1:68,439,613-68,439,617 gives the same sequence; the c. name uses the placement nearest the transcript's 3' end. VCF-style (leftmost placement, unchanged base first): chr1-68439612-ATC-A. GRCh37 (hg19) VCF-style: chr1-68905295-ATC-A.
Other names: c.672_673del (NM_000329.2); c.561_562AG[1], p.Glu188Aspfs (NM_001406853.1); c.393_394AG[1], p.Glu132Aspfs (NM_001406856.1, NM_001406857.1); c.669_670AG[1], p.Glu224Aspfs (NM_001406859.1); short protein forms E224fs.
Identifiers: ClinVar variation 2188501 (VCV002188501.7), dbSNP rs1204023432, ClinGen allele CA738202151.